The following is an entry in ClinVar:

ClinVar aggregate classification (germline): other (0 of 4 stars; one submission).

Conditions:
Familial colorectal cancer. Identifiers: MedGen CN280943, MONDO:0023113. Disease mechanism: loss of function.

Submission:

Systems Biology Platform Zhejiang California International NanoSystems Institute
Classification: other for Familial colorectal cancer. Review status: no assertion criteria provided. Collection method: not provided. Allele origin: unknown.
ClinVar note: Converted during submission from cancer to other.

NM_000038.6(APC):c.933+277A>C

Gene: APC (APC regulator of WNT signaling pathway; plus strand). Cytogenetic location: 5q22.2.
Variant type: single nucleotide variant.
Coding change: c.933+277A>C on transcript NM_000038.6 (MANE Select); 277 bases into the intron after coding-DNA position 933, A replaced by C.
Molecular consequence: intron variant.
Genome position (GRCh38, 1-based): chr5:112,815,870, A>C. VCF-style: chr5-112815870-A-C. GRCh37 (hg19) VCF-style: chr5-112151567-A-C.
Other names: c.933+277A>C (NM_001354895.2, NM_001127510.3, NM_001354896.2 and 1 more transcripts); c.963+277A>C (NM_001354897.2, NM_001354902.2); c.879+277A>C (NM_001127511.3); c.858+277A>C (NM_001354898.2, NM_001354904.2); c.84+277A>C (NM_001354906.2); c.849+277A>C (NM_001354899.2); c.756+277A>C (NM_001354900.2, NM_001354901.2, NM_001354905.2).
Identifiers: ClinVar variation 82558 (VCV000082558.2), dbSNP rs74531281, ClinGen allele CA015739.